The following is an entry in ClinVar:

NM_032408.4(BAZ1B):c.2223G>A (p.Thr741=)

Gene: BAZ1B (bromodomain adjacent to zinc finger domain 1B; minus strand). Cytogenetic location: 7q11.23.
Variant type: single nucleotide variant.
Coding change: c.2223G>A on transcript NM_032408.4 (MANE Select); coding-DNA position 2223, G replaced by A.
Protein change: p.Thr741=; no amino-acid change (threonine 741 retained).
Molecular consequence: synonymous variant.
Genome position (GRCh38, 1-based): chr7:73,477,238, C>T on the plus strand (G>A on the coding strand, the complement: BAZ1B is on the minus strand). VCF-style: chr7-73477238-C-T. GRCh37 (hg19) VCF-style: chr7-72891568-C-T.
Other names: c.2223G>A, p.Thr741= (NM_001370402.1).
Identifiers: ClinVar variation 786901 (VCV000786901.9), dbSNP rs182094044, ClinGen allele CA4287741.

ClinVar aggregate classification (germline): Benign/Likely benign. Review status: criteria provided, multiple submitters, no conflicts (2 of 4 stars). 3 submissions from 3 submitters: Benign (2); Likely benign (1). Last evaluated 2026-07-01.

Allele frequency attached by ClinVar (database versions not stated): ESP Exome Variant Server 0.00008; gnomAD exomes 0.00025 and 0.00118; gnomAD 0.00046; 1000 Genomes Project 0.00060; 1000 Genomes Project 30x 0.00062; TOPMed 0.00089; ExAC 0.00091.
gnomAD v4.1: 419 of 1,614,216 alleles (0.026%); highest among the groups gnomAD compares: Admixed American, 0.68%; 2 homozygotes.

Submissions (3):

CeGaT Center for Human Genetics Tuebingen
Classification: Likely benign. Last evaluated: 2026-07-01. Review status: criteria provided, single submitter. Criteria: CeGaT Center For Human Genetics Tuebingen Variant Classification Criteria Version 2. Collection method: clinical testing. Allele origin: germline. Affected: yes. Observed: 2 variant alleles.
Comment: BAZ1B: BP4, BP7

Labcorp Genetics (formerly Invitae), Labcorp
Classification: Benign. Last evaluated: 2018-07-12. Review status: criteria provided, single submitter. Criteria: Invitae Variant Classification Sherloc (09022015). Collection method: clinical testing. Allele origin: germline.

Breakthrough Genomics
Classification: Benign. Review status: criteria provided, single submitter. Criteria: ACMG Guidelines, 2015. Collection method: not provided. Allele origin: germline. Inheritance: Unknown mechanism. Affected: yes.